The following is an entry in ClinVar:

ClinVar aggregate classification (germline): Uncertain significance (1 of 4 stars; one submission).

Conditions:
Peroxisome biogenesis disorder 11A (Zellweger). Also called: Peroxisome biogenesis disorder 11A. Identifiers: Orphanet 912, MedGen C3554000, MONDO:0013949, OMIM 614883.

gnomAD v4.1: 1 of 1,550,186 alleles (0.000065%); highest among the groups gnomAD compares: South Asian, 0.0012%; no homozygotes.

Submission:

Labcorp Genetics (formerly Invitae), Labcorp
Classification: Uncertain significance for Peroxisome biogenesis disorder 11A (Zellweger). Last evaluated: 2025-03-17. Review status: criteria provided, single submitter. Criteria: Invitae Variant Classification Sherloc (09022015). Collection method: clinical testing. Allele origin: germline.
Comment: This sequence change replaces proline, which is neutral and non-polar, with leucine, which is neutral and non-polar, at codon 8 of the PEX13 protein (p.Pro8Leu). This variant is not present in population databases (gnomAD no frequency). This variant has not been reported in the literature in individuals affected with PEX13-related conditions. ClinVar contains an entry for this variant (Variation ID: 1929426). An algorithm developed to predict the effect of missense changes on protein structure and function (PolyPhen-2) suggests that this variant is likely to be disruptive. In summary, the available evidence is currently insufficient to determine the role of this variant in disease. Therefore, it has been classified as a Variant of Uncertain Significance.

NM_002618.4(PEX13):c.23C>T (p.Pro8Leu)

Genes: PEX13 (peroxisomal biogenesis factor 13; plus strand), PUS10 (pseudouridine synthase 10; minus strand). Cytogenetic location: 2p15.
Variant type: single nucleotide variant.
Coding change: c.23C>T on transcript NM_002618.4 (MANE Select); coding-DNA position 23, C replaced by T.
Protein change: p.Pro8Leu; replaces proline 8 with leucine.
Molecular consequence: missense variant. On other transcripts: intron variant (2).
Genome position (GRCh38, 1-based): chr2:61,017,782, C>T. VCF-style: chr2-61017782-C-T. GRCh37 (hg19) VCF-style: chr2-61244917-C-T.
Other names: c.-16+226G>A (NM_144709.4); c.-623+226G>A (NM_001322127.1); short protein forms P8L.
Identifiers: ClinVar variation 1929426 (VCV001929426.3), dbSNP rs948971918, ClinGen allele CA346936749.